The following is an entry in ClinVar:

ClinVar aggregate classification (germline): Likely benign (0 of 4 stars; one submission).

Conditions:
TRIM22-related disorder. Also called: TRIM22-related condition.

Allele frequency attached by ClinVar (database versions not stated): 1000 Genomes Project 30x 0.00016; 1000 Genomes Project 0.00020; ESP Exome Variant Server 0.00038; gnomAD exomes 0.00063; ExAC 0.00073; gnomAD 0.00074; TOPMed 0.00074.
gnomAD v4.1: 1,089 of 1,614,234 alleles (0.067%); highest among the groups gnomAD compares: Middle Eastern, 1.8%; 7 homozygotes.

Submission:

PreventionGenetics, part of Exact Sciences
Classification: Likely benign for TRIM22-related condition. Last evaluated: 2023-01-17. Review status: no assertion criteria provided. Collection method: clinical testing. Allele origin: germline.
Comment: This variant is classified as likely benign based on ACMG/AMP sequence variant interpretation guidelines (Richards et al. 2015 PMID: 25741868, with internal and published modifications).

NM_006074.5(TRIM22):c.182C>A (p.Thr61Asn)

Gene: TRIM22 (tripartite motif containing 22; plus strand). Cytogenetic location: 11p15.4.
Variant type: single nucleotide variant.
Coding change: c.182C>A on transcript NM_006074.5 (MANE Select); coding-DNA position 182, C replaced by A.
Protein change: p.Thr61Asn; replaces threonine 61 with asparagine.
Molecular consequence: missense variant.
Genome position (GRCh38, 1-based): chr11:5,696,414, C>A. VCF-style: chr11-5696414-C-A. GRCh37 (hg19) VCF-style: chr11-5717644-C-A.
Other names: c.182C>A, p.Thr61Asn (NM_001199573.2); short protein forms T61N.
Identifiers: ClinVar variation 3039217 (VCV003039217.2), dbSNP rs192306924, ClinGen allele CA5845722.